The following is an entry in ClinVar:

ClinVar aggregate classification (germline): Uncertain significance. Review status: criteria provided, multiple submitters, no conflicts (2 of 4 stars). 2 submissions from 2 submitters: Uncertain significance (2). Last evaluated 2024-07-30.

Conditions:
Charcot-Marie-Tooth disease type 4. Also called: Charcot-Marie-Tooth, Type 4; Charcot-Marie-Tooth disease, type IV. Identifiers: Orphanet 64749, MedGen C4082197, MONDO:0018995.
Inborn genetic diseases. Identifiers: MedGen C0950123, MeSH D030342.

Allele frequency attached by ClinVar (database versions not stated): gnomAD exomes below 0.00001; TOPMed 0.00001; gnomAD 0.00002.
gnomAD v4.1: 5 of 1,609,842 alleles (0.00031%); highest among the groups gnomAD compares: African/African-American, 0.0053%; no homozygotes.

Submissions (2):

Labcorp Genetics (formerly Invitae), Labcorp
Classification: Uncertain significance for Charcot-Marie-Tooth disease type 4. Last evaluated: 2024-07-30. Review status: criteria provided, single submitter. Criteria: Invitae Variant Classification Sherloc (09022015). Collection method: clinical testing. Allele origin: germline.
Comment: This sequence change replaces proline, which is neutral and non-polar, with serine, which is neutral and polar, at codon 161 of the PRX protein (p.Pro161Ser). The frequency data for this variant in the population databases is considered unreliable, as metrics indicate poor data quality at this position in the gnomAD database. This variant has not been reported in the literature in individuals affected with PRX-related conditions. ClinVar contains an entry for this variant (Variation ID: 2526325). An algorithm developed to predict the effect of missense changes on protein structure and function (PolyPhen-2) suggests that this variant is likely to be disruptive. In summary, the available evidence is currently insufficient to determine the role of this variant in disease. Therefore, it has been classified as a Variant of Uncertain Significance.

Ambry Genetics
Classification: Uncertain significance for Inborn genetic diseases. Last evaluated: 2023-03-17. Review status: criteria provided, single submitter. Criteria: Ambry Variant Classification Scheme 2023. Collection method: clinical testing. Allele origin: germline.

NM_181882.3(PRX):c.481C>T (p.Pro161Ser)

Gene: PRX (periaxin; minus strand). Cytogenetic location: 19q13.2.
Variant type: single nucleotide variant.
Coding change: c.481C>T on transcript NM_181882.3 (MANE Select); coding-DNA position 481, C replaced by T.
Protein change: p.Pro161Ser; replaces proline 161 with serine.
Molecular consequence: missense variant. On other transcripts: 3 prime UTR variant (1).
Genome position (GRCh38, 1-based): chr19:40,397,871, G>A on the plus strand (C>T on the coding strand, the complement: PRX is on the minus strand). VCF-style: chr19-40397871-G-A. GRCh37 (hg19) VCF-style: chr19-40903778-G-A.
Other names: c.766C>T, p.Pro256Ser (NM_001411127.1); c.*686C>T (NM_020956.2); short protein forms P161S, P256S.
Identifiers: ClinVar variation 2526325 (VCV002526325.3), dbSNP rs1176382648, ClinGen allele CA405900454.